The following is an entry in ClinVar:

NM_001365276.2(TNXB):c.6320C>G (p.Ser2107Cys)

Gene: TNXB (tenascin XB; minus strand). Cytogenetic location: 6p21.33.
Variant type: single nucleotide variant.
Coding change: c.6320C>G on transcript NM_001365276.2 (MANE Select); coding-DNA position 6320, C replaced by G.
Protein change: p.Ser2107Cys; replaces serine 2107 with cysteine.
Molecular consequence: missense variant.
Genome position (GRCh38, 1-based): chr6:32,067,885, G>C on the plus strand (C>G on the coding strand, the complement: TNXB is on the minus strand). VCF-style: chr6-32067885-G-C. GRCh37 (hg19) VCF-style: chr6-32035662-G-C.
Other names: c.6320C>G, p.Ser2107Cys (NM_019105.8); short protein forms S2107C.
Identifiers: ClinVar variation 989282 (VCV000989282.5), dbSNP rs1554321787, ClinGen allele CA363400572.
Genomic context (GRCh38, chr6:32,067,885, plus strand): 5'-ACGGTGAAGGAGTCGAAGCGGCCCTGGGGGACGGTCCAGGAGAGGCTCAGCGAGTCAGGG[G>C]AGGATCCTGTCACTGTTAGCTCCCCCAGGAGCGGCTCCTCAGCGGGCTCCGGGGCCTCCA-3'
Protein context (NP_001352205.1, residues 2097-2117): LLGELTVTGS[Ser2107Cys]PDSLSLSWTV

ClinVar aggregate classification (germline): Uncertain significance. Review status: criteria provided, multiple submitters, no conflicts (2 of 4 stars). 2 submissions from 2 submitters: Uncertain significance (2). Last evaluated 2023-12-13.

Conditions:
Ehlers-Danlos syndrome due to tenascin-X deficiency (EDSCLL1). Also called: TNX DEFICIENCY; EHLERS-DANLOS SYNDROME, CLASSIC-LIKE; Ehlers-Danlos syndrome, classic-like, 1; TNXB-Related Classical-Like Ehlers-Danlos Syndrome; EDS DUE TO TNX DEFICIENCY. Identifiers: Orphanet 230839, MedGen C1848029, MONDO:0011670, OMIM 606408.

Allele frequency attached by ClinVar (database versions not stated): TOPMed below 0.00001.

Submissions (2):

GeneDx
Classification: Uncertain significance. Last evaluated: 2023-12-13. Review status: criteria provided, single submitter. Criteria: GeneDx Variant Classification Process June 2021. Collection method: clinical testing. Allele origin: germline. Affected: yes.
Comment: Not observed at significant frequency in large population cohorts (gnomAD); In silico analysis supports that this missense variant has a deleterious effect on protein structure/function; Has not been previously published as pathogenic or benign to our knowledge

Illumina Laboratory Services, Illumina
Classification: Uncertain significance for Ehlers-Danlos syndrome due to tenascin-X deficiency. Last evaluated: 2019-02-04. Review status: criteria provided, single submitter. Criteria: ICSLVariantClassificationCriteria RUGD 01 April 2020. Collection method: clinical testing. Allele origin: unknown.
Comment: The TNXB c.6320C>G (p.Ser2107Cys) variant is a missense variant. A literature search was performed for the gene, cDNA, and amino acid change. No publications were found based on this search. This variant is not found in the Genome Aggregation Database in a region of good sequencing coverage, so the variant is presumed to be rare. Based on the limited evidence, the p.Ser2107Cys variant is classified as a variant of uncertain significance for Ehlers-Danlos syndrome due to tenascin-X deficiency.